The following is an entry in ClinVar:

NM_001283009.2(RTEL1):c.2933_2936dup (p.Pro980fs)

Genes: RTEL1 (regulator of telomere elongation helicase 1; plus strand), RTEL1-TNFRSF6B (RTEL1-TNFRSF6B readthrough (NMD candidate); plus strand). Cytogenetic location: 20q13.33.
Variant type: Duplication.
Coding change: c.2933_2936dup on transcript NM_001283009.2 (MANE Select); coding-DNA positions 2933 to 2936, 4 bases duplicated (ATCG; older notation c.2933_2936dupATCG).
Protein change: p.Pro980fs; shifts the reading frame from proline 980.
Molecular consequence: frameshift variant. On other transcripts: non-coding transcript variant (1).
Genome position (GRCh38, 1-based): chr20:63,693,224-63,693,227, ATCG duplicated. VCF-style (leftmost placement, unchanged base first): chr20-63693223-T-TATCG. GRCh37 (hg19) VCF-style: chr20-62324576-T-TATCG.
Other names: c.2264_2267dup, p.Pro757fs (NM_001283010.1); c.2933_2936dup, p.Pro980fs (NM_016434.4); c.3005_3008dup, p.Pro1004fs (NM_032957.5); c.3005_3008dup (NM_032957.4); short protein forms P980fs, P1004fs, P757fs.
Identifiers: ClinVar variation 2180045 (VCV002180045.6), dbSNP rs1285773934, ClinGen allele CA636615228.

ClinVar aggregate classification (germline): Pathogenic/Likely pathogenic. Review status: criteria provided, multiple submitters, no conflicts (2 of 4 stars). 2 submissions from 2 submitters: Pathogenic (1); Likely pathogenic (1). Last evaluated 2025-03-11.

Conditions:
Dyskeratosis congenita, autosomal recessive 5 (DKCB5). Identifiers: MedGen C3554656, MONDO:0014076, OMIM 615190.
Pulmonary fibrosis and/or bone marrow failure, Telomere-related, 3. Also called: PULMONARY FIBROSIS AND/OR BONE MARROW FAILURE SYNDROME, TELOMERE-RELATED, 3. Identifiers: Orphanet 2032, MedGen C4225346, MONDO:0014613, OMIM 616373.
Dyskeratosis congenita. Identifiers: Orphanet 1775, MedGen C0265965, MONDO:0015780.

Allele frequency attached by ClinVar (database versions not stated): gnomAD exomes below 0.00001; gnomAD 0.00002; TOPMed 0.00002.

Submissions (2):

Natera, Inc.
Classification: Likely pathogenic for Dyskeratosis congenita. Last evaluated: 2025-03-11. Review status: criteria provided, single submitter. Criteria: Natera Variant Classification Schema (03/2026). Collection method: clinical testing. Allele origin: germline.
Comment: The c.3005_3008dup variant in RTEL1 is a frameshift variant predicted to shift the reading frame beginning at codon 1004 and leads to a stop codon 3 codons downstream. This variant is expected to result in nonsense mediated decay, truncation, or a dysfunctional protein product. This variant is rare in the general population with a frequency below the threshold expected for the associated phenotype(s). Given the available evidence, this variant is classified as Likely Pathogenic.

Labcorp Genetics (formerly Invitae), Labcorp
Classification: Pathogenic for Dyskeratosis congenita, autosomal recessive 5; Pulmonary fibrosis and/or bone marrow failure, Telomere-related, 3. Last evaluated: 2022-06-09. Review status: criteria provided, single submitter. Criteria: Invitae Variant Classification Sherloc (09022015). Collection method: clinical testing. Allele origin: germline.
Comment: For these reasons, this variant has been classified as Pathogenic. This variant has not been reported in the literature in individuals affected with RTEL1-related conditions. This variant is present in population databases (no rsID available, gnomAD 0.007%). This sequence change creates a premature translational stop signal (p.Pro980Serfs*3) in the RTEL1 gene. It is expected to result in an absent or disrupted protein product. Loss-of-function variants in RTEL1 are known to be pathogenic (PMID: 23453664, 23959892, 25607374).

Literature cited by the submitters: PubMed 23453664 (cited by Labcorp Genetics (formerly Invitae), Labcorp); PubMed 23959892 (cited by Labcorp Genetics (formerly Invitae), Labcorp); PubMed 25607374 (cited by Labcorp Genetics (formerly Invitae), Labcorp).